The following is an entry in ClinVar:

ClinVar aggregate classification (germline): Conflicting classifications of pathogenicity. Review status: criteria provided, conflicting classifications (1 of 4 stars). 4 submissions from 4 submitters: Uncertain significance (1); Likely benign (2). 1 of the submissions does not count toward it. Last evaluated 2026-01-12.

Conditions:
CDH23-related disorder. Also called: CDH23-related disorders; CDH23-related condition.

Allele frequency attached by ClinVar (database versions not stated): gnomAD exomes 0.00002 and 0.00013; gnomAD 0.00004; TOPMed 0.00009; ExAC 0.00014; 1000 Genomes Project 30x 0.00016; 1000 Genomes Project 0.00020.
gnomAD v4.1: 34 of 1,562,032 alleles (0.0022%); highest among the groups gnomAD compares: Admixed American, 0.057%; no homozygotes.

Submissions (4):

Labcorp Genetics (formerly Invitae), Labcorp
Classification: Likely benign. Last evaluated: 2026-01-12. Review status: criteria provided, single submitter. Criteria: Invitae Variant Classification Sherloc (09022015). Collection method: clinical testing. Allele origin: germline.

Blueprint Genetics
Classification: Likely benign. Last evaluated: 2022-10-24. Review status: criteria provided, single submitter. Criteria: ACMG Guidelines, 2015. Collection method: clinical testing. Allele origin: germline.

Laboratory for Molecular Medicine, Mass General Brigham Personalized Medicine
Classification: Uncertain significance. Last evaluated: 2012-03-22. Review status: criteria provided, single submitter. Criteria: LMM Criteria. Collection method: clinical testing. Allele origin: germline. Observed: 1 variant allele.
Comment: Variant classified as Uncertain Significance - Favor Benign. The 5713-9A>G varia nt in CDH23 has not been reported in the literature nor previously identified by our laboratory. This variant is located in the 3' splice region. Although posit ion -9 is part of the splice site region, the reference sequence was already div ergent from consensus (normally a T or C at this position) and therefore computa tional tools do not predict further divergence of the splice site from the conse nsus sequence. This would suggest an unlikely impact to splicing; however, the p redictability of these tools to assess splicing impact is unknown and therefore we cannot rule out an effect. In summary, the clinical significance of this vari ant cannot be determined with certainty; however, we would lean towards a more l ikely benign role.

PreventionGenetics, part of Exact Sciences
Classification: Likely benign for CDH23-related condition. Last evaluated: 2020-11-16. Review status: no assertion criteria provided. Collection method: clinical testing. Allele origin: germline. Not counted in ClinVar's aggregate classification.
Comment: This variant is classified as likely benign based on ACMG/AMP sequence variant interpretation guidelines (Richards et al. 2015 PMID: 25741868, with internal and published modifications).

NM_022124.6(CDH23):c.5713-9A>G

Gene: CDH23 (cadherin related 23; plus strand). Cytogenetic location: 10q22.1.
Variant type: single nucleotide variant.
Coding change: c.5713-9A>G on transcript NM_022124.6 (MANE Select); 9 bases into the intron before coding-DNA position 5713, A replaced by G.
Molecular consequence: intron variant.
Genome position (GRCh38, 1-based): chr10:71,785,622, A>G. VCF-style: chr10-71785622-A-G. GRCh37 (hg19) VCF-style: chr10-73545379-A-G.
Identifiers: ClinVar variation 45990 (VCV000045990.16), dbSNP rs397517343, ClinGen allele CA137504.